The following is an entry in ClinVar:

ClinVar aggregate classification (germline): Uncertain significance. Review status: criteria provided, multiple submitters, no conflicts (2 of 4 stars). 2 submissions from 2 submitters: Uncertain significance (2). Last evaluated 2026-06-25.

Conditions:
Hereditary spastic paraplegia 7 (SPG7). Also called: Spastic paraplegia 7; Hereditary spastic paraplegia Paraplegin type; Autosomal recessive spastic paraplegia type 7; SPASTIC PARAPLEGIA 7, AUTOSOMAL RECESSIVE, WITH OR WITHOUT CEREBELLAR ATAXIA; SPG7-related neurologic disorder. Identifiers: Orphanet 99013, MedGen C1846564, MONDO:0011803, OMIM 607259.

Allele frequency attached by ClinVar (database versions not stated): gnomAD exomes 0.00001; TOPMed 0.00002; gnomAD 0.00005.
gnomAD v4.1: 16 of 1,613,588 alleles (0.00099%); highest among the groups gnomAD compares: East Asian, 0.0022%; no homozygotes.

Submissions (2):

Women's Health and Genetics/Laboratory Corporation of America, LabCorp
Classification: Uncertain significance. Last evaluated: 2026-06-25. Review status: criteria provided, single submitter. Criteria: LabCorp Variant Classification Summary - May 2015. Collection method: clinical testing. Allele origin: germline.
Comment: Variant summary: SPG7 c.1217A>G (p.Tyr406Cys) results in a non-conservative amino acid change in the encoded protein sequence. Algorithms developed to predict the effect of missense changes on protein structure and function all suggest that this variant is likely to be disruptive. The variant allele was found at a frequency of 4e-06 in 250220 control chromosomes. The available data on variant occurrences in the general population are insufficient to allow any conclusion about variant significance. To our knowledge, no occurrence of c.1217A>G in individuals affected with SPG7-related conditions and no experimental evidence demonstrating its impact on protein function have been reported. ClinVar contains an entry for this variant (Variation ID: 2752046). Based on the evidence outlined above, the variant was classified as uncertain significance.

Labcorp Genetics (formerly Invitae), Labcorp
Classification: Uncertain significance for Hereditary spastic paraplegia 7. Last evaluated: 2023-10-09. Review status: criteria provided, single submitter. Criteria: Invitae Variant Classification Sherloc (09022015). Collection method: clinical testing. Allele origin: germline.
Comment: This sequence change replaces tyrosine, which is neutral and polar, with cysteine, which is neutral and slightly polar, at codon 406 of the SPG7 protein (p.Tyr406Cys). This variant is present in population databases (no rsID available, gnomAD 0.003%). This variant has not been reported in the literature in individuals affected with SPG7-related conditions. Advanced modeling of protein sequence and biophysical properties (such as structural, functional, and spatial information, amino acid conservation, physicochemical variation, residue mobility, and thermodynamic stability) performed at Invitae indicates that this missense variant is expected to disrupt SPG7 protein function. In summary, the available evidence is currently insufficient to determine the role of this variant in disease. Therefore, it has been classified as a Variant of Uncertain Significance.

NM_003119.4(SPG7):c.1217A>G (p.Tyr406Cys)

Gene: SPG7 (SPG7 matrix AAA peptidase subunit, paraplegin; plus strand). Cytogenetic location: 16q24.3.
Variant type: single nucleotide variant.
Coding change: c.1217A>G on transcript NM_003119.4 (MANE Select); coding-DNA position 1217, A replaced by G.
Protein change: p.Tyr406Cys; replaces tyrosine 406 with cysteine.
Molecular consequence: missense variant.
Genome position (GRCh38, 1-based): chr16:89,532,529, A>G. VCF-style: chr16-89532529-A-G. GRCh37 (hg19) VCF-style: chr16-89598937-A-G.
Other names: c.1217A>G, p.Tyr406Cys (NM_001363850.1, NM_199367.3); short protein forms Y406C.
Identifiers: ClinVar variation 2752046 (VCV002752046.4), dbSNP rs1319276066, ClinGen allele CA397420855.
Genomic context (GRCh38, chr16:89,532,529, plus strand): 5'-GCGCTGCCCGTGTGCGGAGCCTCTTTAAGGAAGCCCGAGCCCGGGCCCCCTGCATCGTCT[A>G]CATCGATGAGATCGACGCGGTGGGCAAGAAGCGCTCCACCACCATGTCCGGCTTCTCCAA-3'
Protein context (NP_003110.1, residues 396-416): EARARAPCIV[Tyr406Cys]IDEIDAVGKK